The following is an entry in ClinVar:

ClinVar aggregate classification (germline): Conflicting classifications of pathogenicity. Review status: criteria provided, conflicting classifications (1 of 4 stars). 6 submissions from 6 submitters: Uncertain significance (2); Likely benign (4). Last evaluated 2025-11-24.

Conditions:
Adams-Oliver syndrome 5 (AOS5). Identifiers: Orphanet 974, MedGen C4014970, MONDO:0014459, OMIM 616028.
Familial thoracic aortic aneurysm and aortic dissection (TAAD). Also called: Thoracic aortic aneurysms and dissections. Identifiers: Orphanet 91387, MedGen C4707243, MONDO:0019625.

Allele frequency attached by ClinVar (database versions not stated): gnomAD exomes 0.00005 and 0.00011; ExAC 0.00009; TOPMed 0.00012; gnomAD 0.00014 and 0.00015; 1000 Genomes Project 30x 0.00016; 1000 Genomes Project 0.00040.
gnomAD v4.1: 103 of 1,607,202 alleles (0.0064%); highest among the groups gnomAD compares: African/African-American, 0.011%; no homozygotes.

Submissions (6):

Labcorp Genetics (formerly Invitae), Labcorp
Classification: Likely benign for Adams-Oliver syndrome 5. Last evaluated: 2025-11-24. Review status: criteria provided, single submitter. Criteria: Invitae Variant Classification Sherloc (09022015). Collection method: clinical testing. Allele origin: germline.

Laboratory of Genetics, Children's Clinical University Hospital Latvia
Classification: Likely benign. Last evaluated: 2025-02-16. Review status: criteria provided, single submitter. Criteria: ACMG Guidelines, 2015. Collection method: clinical testing. Allele origin: germline. Affected: yes.

Blueprint Genetics
Classification: Likely benign. Last evaluated: 2024-11-13. Review status: criteria provided, single submitter. Criteria: ACMG Guidelines, 2015. Collection method: clinical testing. Allele origin: germline.

GeneDx
Classification: Uncertain significance. Last evaluated: 2024-11-05. Review status: criteria provided, single submitter. Criteria: GeneDx Variant Classification Process June 2021. Collection method: clinical testing. Allele origin: germline. Affected: yes.
Comment: Has not been previously published as pathogenic or benign to our knowledge; In silico analysis supports that this missense variant has a deleterious effect on protein structure/function

Women's Health and Genetics/Laboratory Corporation of America, LabCorp
Classification: Likely benign. Last evaluated: 2024-10-21. Review status: criteria provided, single submitter. Criteria: LabCorp Variant Classification Summary - May 2015. Collection method: clinical testing. Allele origin: germline.
Comment: Variant summary: NOTCH1 c.6376G>A (p.Gly2126Arg) results in a non-conservative amino acid change in the encoded protein sequence. Three of five in-silico tools predict a damaging effect of the variant on protein function. The variant allele was found at a frequency of 0.00011 in 239872 control chromosomes. The observed variant frequency is approximately 180.096 fold of the estimated maximal expected allele frequency for a pathogenic variant in NOTCH1 causing Adams-Oliver Syndrome 5 phenotype (6.3e-07). To our knowledge, no occurrence of c.6376G>A in individuals affected with Adams-Oliver Syndrome 5 and no experimental evidence demonstrating its impact on protein function have been reported. ClinVar contains an entry for this variant (Variation ID: 241160). Based on the evidence outlined above, the variant was classified as likely benign.

Ambry Genetics
Classification: Uncertain significance for Familial thoracic aortic aneurysm and aortic dissection. Last evaluated: 2024-06-10. Review status: criteria provided, single submitter. Criteria: Ambry Variant Classification Scheme 2023. Collection method: clinical testing. Allele origin: germline.

Literature cited by the submitters: PubMed 24943832 (cited by Women's Health and Genetics/Laboratory Corporation of America, LabCorp); PubMed 16614245 (cited by Women's Health and Genetics/Laboratory Corporation of America, LabCorp); PubMed 21670202 (cited by Women's Health and Genetics/Laboratory Corporation of America, LabCorp); PubMed 22210878 (cited by Women's Health and Genetics/Laboratory Corporation of America, LabCorp); PubMed 19635999 (cited by Women's Health and Genetics/Laboratory Corporation of America, LabCorp); PubMed 26837699 (cited by Women's Health and Genetics/Laboratory Corporation of America, LabCorp); PubMed 23086750 (cited by Women's Health and Genetics/Laboratory Corporation of America, LabCorp); PubMed 19245433 (cited by Women's Health and Genetics/Laboratory Corporation of America, LabCorp); PubMed 22077063 (cited by Women's Health and Genetics/Laboratory Corporation of America, LabCorp); PubMed 15472075 (cited by Women's Health and Genetics/Laboratory Corporation of America, LabCorp); PubMed 23734977 (cited by Women's Health and Genetics/Laboratory Corporation of America, LabCorp); PubMed 22858860 (cited by Women's Health and Genetics/Laboratory Corporation of America, LabCorp).

NM_017617.5(NOTCH1):c.6376G>A (p.Gly2126Arg)

Gene: NOTCH1 (notch receptor 1; minus strand). Cytogenetic location: 9q34.3.
Variant type: single nucleotide variant.
Coding change: c.6376G>A on transcript NM_017617.5 (MANE Select); coding-DNA position 6376, G replaced by A.
Protein change: p.Gly2126Arg; replaces glycine 2126 with arginine.
Molecular consequence: missense variant.
Genome position (GRCh38, 1-based): chr9:136,497,363, C>T on the plus strand (G>A on the coding strand, the complement: NOTCH1 is on the minus strand). VCF-style: chr9-136497363-C-T. GRCh37 (hg19) VCF-style: chr9-139391815-C-T.
Other names: c.6376G>A, p.Gly2126Arg (LRG_1122t1); short protein forms G2126R.
Identifiers: ClinVar variation 241160 (VCV000241160.19), dbSNP rs572960572, ClinGen allele CA5339918.